The following is an entry in ClinVar:

NM_001011.4(RPS7):c.276C>G (p.Val92=)

Gene: RPS7 (ribosomal protein S7; plus strand). Cytogenetic location: 2p25.3.
Variant type: single nucleotide variant.
Coding change: c.276C>G on transcript NM_001011.4 (MANE Select); coding-DNA position 276, C replaced by G.
Protein change: p.Val92=; no amino-acid change (valine 92 retained).
Molecular consequence: synonymous variant.
Genome position (GRCh38, 1-based): chr2:3,576,615, C>G. VCF-style: chr2-3576615-C-G. GRCh37 (hg19) VCF-style: chr2-3624205-C-G.
Other names: c.276C>G (NM_001011.3).
Identifiers: ClinVar variation 1168152 (VCV001168152.12), dbSNP rs61730448, ClinGen allele CA1516615.

ClinVar aggregate classification (germline): Benign. Review status: criteria provided, single submitter (1 of 4 stars). 2 submissions from 2 submitters: Benign (1). 1 of the submissions does not count toward it. Last evaluated 2025-05-22.

Conditions:
RPS7-related disorder. Also called: RPS7-related condition.
Diamond-Blackfan anemia 8 (DBA8). Also called: RPS7-Related Diamond-Blackfan Anemia. Identifiers: Orphanet 124, MedGen C2675511, MONDO:0012939, OMIM 612563.

Allele frequency attached by ClinVar (database versions not stated): TOPMed 0.00006; gnomAD exomes 0.00008; ExAC 0.00009.

Submissions (2):

Labcorp Genetics (formerly Invitae), Labcorp
Classification: Benign for Diamond-Blackfan anemia 8. Last evaluated: 2025-05-22. Review status: criteria provided, single submitter. Criteria: Invitae Variant Classification Sherloc (09022015). Collection method: clinical testing. Allele origin: germline.

PreventionGenetics, part of Exact Sciences
Classification: Likely benign for RPS7-related condition. Last evaluated: 2022-09-06. Review status: no assertion criteria provided. Collection method: clinical testing. Allele origin: germline. Not counted in ClinVar's aggregate classification.
Comment: This variant is classified as likely benign based on ACMG/AMP sequence variant interpretation guidelines (Richards et al. 2015 PMID: 25741868, with internal and published modifications).